The following is an entry in ClinVar:

ClinVar aggregate classification (germline): Uncertain significance (1 of 4 stars; one submission).

Conditions:
Autosomal dominant polycystic kidney disease. Identifiers: Orphanet 730, MedGen C0085413, MONDO:0004691.

gnomAD v4.1: 1 of 1,612,498 alleles (0.000062%); highest among the groups gnomAD compares: Non-Finnish European, 0.000085%; no homozygotes.

Submission:

Labcorp Genetics (formerly Invitae), Labcorp
Classification: Uncertain significance for Autosomal dominant polycystic kidney disease. Last evaluated: 2025-04-09. Review status: criteria provided, single submitter. Criteria: Invitae Variant Classification Sherloc (09022015). Collection method: clinical testing. Allele origin: germline.
Comment: This sequence change replaces glycine, which is neutral and non-polar, with aspartic acid, which is acidic and polar, at codon 376 of the PKD2 protein (p.Gly376Asp). This variant is not present in population databases (gnomAD no frequency). This variant has not been reported in the literature in individuals affected with PKD2-related conditions. Invitae Evidence Modeling of protein sequence and biophysical properties (such as structural, functional, and spatial information, amino acid conservation, physicochemical variation, residue mobility, and thermodynamic stability) indicates that this missense variant is expected to disrupt PKD2 protein function with a positive predictive value of 80%. In summary, the available evidence is currently insufficient to determine the role of this variant in disease. Therefore, it has been classified as a Variant of Uncertain Significance.

NM_000297.4(PKD2):c.1127G>A (p.Gly376Asp)

Gene: PKD2 (polycystin 2, transient receptor potential cation channel; plus strand). Cytogenetic location: 4q22.1.
Variant type: single nucleotide variant.
Coding change: c.1127G>A on transcript NM_000297.4 (MANE Select); coding-DNA position 1127, G replaced by A.
Protein change: p.Gly376Asp; replaces glycine 376 with aspartic acid.
Molecular consequence: missense variant. On other transcripts: non-coding transcript variant (1), intron variant (1).
Genome position (GRCh38, 1-based): chr4:88,043,265, G>A. VCF-style: chr4-88043265-G-A. GRCh37 (hg19) VCF-style: chr4-88964417-G-A.
Other names: c.1095-3377G>A (NM_001440544.1); short protein forms G376D.
Identifiers: ClinVar variation 4777090 (VCV004777090.1).